The following is an entry in ClinVar:

ClinVar aggregate classification (germline): Uncertain significance (1 of 4 stars; one submission).

Conditions:
Dilated cardiomyopathy 1J (CMD1J). Also called: CARDIOMYOPATHY, DILATED, WITH SENSORINEURAL HEARING LOSS, AUTOSOMAL DOMINANT. Identifiers: Orphanet 217622, MedGen C1854368, MONDO:0011541, OMIM 605362.

Submission:

Labcorp Genetics (formerly Invitae), Labcorp
Classification: Uncertain significance for Dilated cardiomyopathy 1J. Last evaluated: 2022-07-14. Review status: criteria provided, single submitter. Criteria: Invitae Variant Classification Sherloc (09022015). Collection method: clinical testing. Allele origin: germline.
Comment: This sequence change replaces alanine, which is neutral and non-polar, with serine, which is neutral and polar, at codon 417 of the EYA4 protein (p.Ala417Ser). This variant is not present in population databases (gnomAD no frequency). This variant has not been reported in the literature in individuals affected with EYA4-related conditions. Algorithms developed to predict the effect of missense changes on protein structure and function (SIFT, PolyPhen-2, Align-GVGD) all suggest that this variant is likely to be disruptive. In summary, the available evidence is currently insufficient to determine the role of this variant in disease. Therefore, it has been classified as a Variant of Uncertain Significance.

NM_004100.5(EYA4):c.1249G>T (p.Ala417Ser)

Genes: EYA4 (EYA transcriptional coactivator and phosphatase 4; plus strand), TARID (TCF21 antisense RNA inducing promoter demethylation; minus strand), LOC126859796 (MED14-independent group 3 enhancer GRCh37_chr6:133826289-133827488; plus strand). Cytogenetic location: 6q23.2.
Variant type: single nucleotide variant.
Coding change: c.1249G>T on transcript NM_004100.5 (MANE Select); coding-DNA position 1249, G replaced by T.
Protein change: p.Ala417Ser; replaces alanine 417 with serine.
Molecular consequence: missense variant. On other transcripts: non-coding transcript variant (1).
Genome position (GRCh38, 1-based): chr6:133,506,163, G>T. VCF-style: chr6-133506163-G-T. GRCh37 (hg19) VCF-style: chr6-133827301-G-T.
Other names: c.1087G>T, p.Ala363Ser (NM_001301012.2); c.1267G>T, p.Ala423Ser (NM_001301013.2); c.1180G>T, p.Ala394Ser (NM_001370458.1, NM_172103.4); c.1105G>T, p.Ala369Ser (NM_001370459.1); c.1249G>T, p.Ala417Ser (NM_172105.4); short protein forms A369S, A394S, A423S, A363S, A417S.
Identifiers: ClinVar variation 1997293 (VCV001997293.4), dbSNP rs1376995776, ClinGen allele CA365713619.